The following is an entry in ClinVar:

NM_001606.5(ABCA2):c.825G>A (p.Ala275=)

Gene: ABCA2 (ATP binding cassette subfamily A member 2; minus strand). Cytogenetic location: 9q34.3.
Variant type: single nucleotide variant.
Coding change: c.825G>A on transcript NM_001606.5 (MANE Select); coding-DNA position 825, G replaced by A.
Protein change: p.Ala275=; no amino-acid change (alanine 275 retained).
Molecular consequence: synonymous variant.
Genome position (GRCh38, 1-based): chr9:137,021,464, C>T on the plus strand (G>A on the coding strand, the complement: ABCA2 is on the minus strand). VCF-style: chr9-137021464-C-T. GRCh37 (hg19) VCF-style: chr9-139915916-C-T.
Other names: c.822G>A, p.Ala274= (NM_001411042.1); c.915G>A, p.Ala305= (NM_212533.3).
Identifiers: ClinVar variation 3388821 (VCV003388821.14).

ClinVar aggregate classification (germline): Likely benign (1 of 4 stars; one submission).

Submission:

CeGaT Center for Human Genetics Tuebingen
Classification: Likely benign. Last evaluated: 2024-10-01. Review status: criteria provided, single submitter. Criteria: CeGaT Center For Human Genetics Tuebingen Variant Classification Criteria Version 2. Collection method: clinical testing. Allele origin: germline. Affected: yes. Observed: 1 variant allele.
Comment: ABCA2: BP4, BP7